The following is an entry in ClinVar:

NM_080669.6(SLC46A1):c.190G>C (p.Gly64Arg)

Gene: SLC46A1 (solute carrier family 46 member 1; minus strand). Cytogenetic location: 17q11.2.
Variant type: single nucleotide variant.
Coding change: c.190G>C on transcript NM_080669.6 (MANE Select); coding-DNA position 190, G replaced by C.
Protein change: p.Gly64Arg; replaces glycine 64 with arginine.
Molecular consequence: missense variant.
Genome position (GRCh38, 1-based): chr17:28,405,925, C>G on the plus strand (G>C on the coding strand, the complement: SLC46A1 is on the minus strand). VCF-style: chr17-28405925-C-G. GRCh37 (hg19) VCF-style: chr17-26732943-C-G.
Other names: c.190G>C, p.Gly64Arg (NM_001242366.3); c.190G>C (NM_080669.4); short protein forms G64R.
Identifiers: ClinVar variation 1490509 (VCV001490509.6), dbSNP rs782360877, ClinGen allele CA8458380.

ClinVar aggregate classification (germline): Uncertain significance. Review status: criteria provided, multiple submitters, no conflicts (2 of 4 stars). 2 submissions from 2 submitters: Uncertain significance (2). Last evaluated 2025-08-26.

Conditions:
Inborn genetic diseases. Identifiers: MedGen C0950123, MeSH D030342.

Allele frequency attached by ClinVar (database versions not stated): gnomAD 0.00001 and 0.00002; TOPMed 0.00003.
gnomAD v4.1: 26 of 1,609,468 alleles (0.0016%); highest among the groups gnomAD compares: South Asian, 0.0089%; no homozygotes.

Submissions (2):

Ambry Genetics
Classification: Uncertain significance for Inborn genetic diseases. Last evaluated: 2025-08-26. Review status: criteria provided, single submitter. Criteria: Ambry Variant Classification Scheme 2023. Collection method: clinical testing. Allele origin: germline.

Labcorp Genetics (formerly Invitae), Labcorp
Classification: Uncertain significance. Last evaluated: 2021-11-05. Review status: criteria provided, single submitter. Criteria: Invitae Variant Classification Sherloc (09022015). Collection method: clinical testing. Allele origin: germline.
Comment: This variant has not been reported in the literature in individuals affected with SLC46A1-related conditions. In summary, the available evidence is currently insufficient to determine the role of this variant in disease. Therefore, it has been classified as a Variant of Uncertain Significance. Experimental studies and prediction algorithms are not available or were not evaluated, and the functional significance of this variant is currently unknown. This variant is present in population databases (rs782360877, gnomAD 0.02%). This sequence change replaces glycine, which is neutral and non-polar, with arginine, which is basic and polar, at codon 64 of the SLC46A1 protein (p.Gly64Arg).